The following is an entry in ClinVar:

ClinVar aggregate classification (germline): Uncertain significance (1 of 4 stars; one submission).

Submission:

GeneDx
Classification: Uncertain significance. Last evaluated: 2024-05-30. Review status: criteria provided, single submitter. Criteria: GeneDx Variant Classification Process June 2021. Collection method: clinical testing. Allele origin: germline. Affected: yes.
Comment: Not observed at significant frequency in large population cohorts (gnomAD); In silico analysis supports that this missense variant has a deleterious effect on protein structure/function; Has not been previously published as pathogenic or benign to our knowledge

NM_001164760.2(PRKAR1B):c.84G>C (p.Gln28His)

Gene: PRKAR1B (protein kinase cAMP-dependent type I regulatory subunit beta; minus strand). Cytogenetic location: 7p22.3.
Variant type: single nucleotide variant.
Coding change: c.84G>C on transcript NM_001164760.2 (MANE Select); coding-DNA position 84, G replaced by C.
Protein change: p.Gln28His; replaces glutamine 28 with histidine.
Molecular consequence: missense variant.
Genome position (GRCh38, 1-based): chr7:711,422, C>G on the plus strand (G>C on the coding strand, the complement: PRKAR1B is on the minus strand). VCF-style: chr7-711422-C-G. GRCh37 (hg19) VCF-style: chr7-751059-C-G.
Other names: c.84G>C, p.Gln28His (NM_001164758.2, NM_001164759.1, NM_001164761.2 and 2 more transcripts); short protein forms Q28H.
Identifiers: ClinVar variation 3383740 (VCV003383740.1).